The following is an entry in ClinVar:

NM_025150.5(TARS2):c.1037G>A (p.Arg346His)

Gene: TARS2 (threonyl-tRNA synthetase 2, mitochondrial; plus strand). Cytogenetic location: 1q21.2.
Variant type: single nucleotide variant.
Coding change: c.1037G>A on transcript NM_025150.5 (MANE Select); coding-DNA position 1037, G replaced by A.
Protein change: p.Arg346His; replaces arginine 346 with histidine.
Molecular consequence: missense variant. On other transcripts: non-coding transcript variant (2).
Genome position (GRCh38, 1-based): chr1:150,497,546, G>A. VCF-style: chr1-150497546-G-A. GRCh37 (hg19) VCF-style: chr1-150470022-G-A.
Other names: c.791G>A, p.Arg264His (NM_001271895.2); c.647G>A, p.Arg216His (NM_001271896.2); short protein forms R216H, R264H, R346H.
Identifiers: ClinVar variation 4845769 (VCV004845769.1).
Genomic context (GRCh38, chr1:150,497,546, plus strand): 5'-CTTCCAGTTACTCTGACCTTCCATGTCTGTACCCTCCTCTCCAGGCTGAGTATGCCCATC[G>A]TGGTTTCTCCGAGGTGAAAACTCCCACACTGTTTTCTACGAAGCTCTGGGAACAGTCAGG-3'
Protein context (NP_079426.2, residues 336-356): VAFIRAEYAH[Arg346His]GFSEVKTPTL

ClinVar aggregate classification (germline): Likely pathogenic (1 of 4 stars; one submission).

Conditions:
Combined oxidative phosphorylation defect type 21. Also called: Combined oxidative phosphorylation deficiency 21. Identifiers: Orphanet 420733, MedGen C4706316, MONDO:0014398, OMIM 615918.

gnomAD v4.1: 30 of 1,613,900 alleles (0.0019%); highest among the groups gnomAD compares: South Asian, 0.026%; no homozygotes.

Submission:

First Genomix Gene Laboratory, Genetic Diagnostics Department
Classification: Likely pathogenic for Combined oxidative phosphorylation defect type 21. Last evaluated: 2025-03-20. Review status: criteria provided, single submitter. Criteria: ACMG Guidelines, 2015. Collection method: clinical testing. Allele origin: germline. Inheritance: Autosomal recessive inheritance. Affected: no. Observed: 1 variant allele.